The following is an entry in ClinVar:

NM_000394.4(CRYAA):c.*485G>A

Gene: CRYAA (crystallin alpha A; plus strand). Cytogenetic location: 21q22.3.
Variant type: single nucleotide variant.
Coding change: c.*485G>A on transcript NM_000394.4 (MANE Select); 485 bases downstream of the stop codon, G replaced by A.
Molecular consequence: 3 prime UTR variant.
Genome position (GRCh38, 1-based): chr21:43,172,765, G>A. VCF-style: chr21-43172765-G-A. GRCh37 (hg19) VCF-style: chr21-44592875-G-A.
Other names: c.*485G>A (NM_001363766.1).
Identifiers: ClinVar variation 340112 (VCV000340112.6), dbSNP rs13048089, ClinGen allele CA10644761.
Genomic context (GRCh38, chr21:43,172,765, plus strand): 5'-GTCTTCCTCCAACCCCTCTATGTAGTGCCGCTCTTGGGGACATGGGTCGCCCATGAGAGC[G>A]CAGCCCGCGGCAATCAATAAACAGCAGGTGATACAAGCAACCCGCCGTCTGCTGGTGCTG-3'

ClinVar aggregate classification (germline): Benign. Review status: criteria provided, multiple submitters, no conflicts (2 of 4 stars). 2 submissions from 2 submitters: Benign (2). Last evaluated 2018-01-12.

Conditions:
Cataract 9 multiple types. Also called: Cataract 9, multiple types, with or without microcornea; Cataract, autosomal recessive congenital 1. Identifiers: Orphanet 1377, MedGen C1858679, MONDO:0011413, OMIM 604219.

Allele frequency attached by ClinVar (database versions not stated): 1000 Genomes Project 0.10663.

Submissions (2):

Illumina Laboratory Services, Illumina
Classification: Benign for Cataract 9 multiple types. Last evaluated: 2018-01-12. Review status: criteria provided, single submitter. Criteria: ICSL Variant Classification Criteria 13 December 2019. Collection method: clinical testing. Allele origin: germline.
Comment: This variant was observed in the ICSL laboratory as part of a predisposition screen in an ostensibly healthy population. It had not been previously curated by ICSL or reported in the Human Gene Mutation Database (HGMD: prior to June 1st, 2018), and was therefore a candidate for classification through an automated scoring system. Utilizing variant allele frequency, disease prevalence and penetrance estimates, and inheritance mode, an automated score was calculated to assess if this variant is too frequent to cause the disease. Based on the score and internal cut-off values, a variant classified as benign is not then subjected to further curation. The score for this variant resulted in a classification of benign for this disease.

Breakthrough Genomics
Classification: Benign. Review status: criteria provided, single submitter. Criteria: ACMG Guidelines, 2015. Collection method: not provided. Allele origin: germline. Inheritance: Autosomal dominant inheritance. Affected: yes.